The following is an entry in ClinVar:

ClinVar aggregate classification (germline): Uncertain significance (0 of 4 stars; one submission).

Conditions:
TTN-related disorder. Also called: TTN-related condition; TTN-related disease; TTN-related disorders.

gnomAD v4.1: 2 of 1,609,096 alleles (0.00012%); highest among the groups gnomAD compares: Non-Finnish European, 0.00017%; no homozygotes.

Submission:

PreventionGenetics, part of Exact Sciences
Classification: Uncertain significance for TTN-related condition. Last evaluated: 2024-06-13. Review status: no assertion criteria provided. Collection method: clinical testing. Allele origin: germline.
Comment: The TTN c.56490G>T variant is predicted to result in the amino acid substitution p.Lys18830Asn. To our knowledge, this variant has not been reported in the literature or in a large population database, indicating this variant is rare. At this time, the clinical significance of this variant is uncertain due to the absence of conclusive functional and genetic evidence.

NM_001267550.2(TTN):c.56490G>T (p.Lys18830Asn)

Genes: TTN-AS1 (TTN antisense RNA 1; plus strand), TTN (titin; minus strand). Cytogenetic location: 2q31.2.
Variant type: single nucleotide variant.
Coding change: c.56490G>T on transcript NM_001267550.2 (MANE Select); coding-DNA position 56490, G replaced by T.
Protein change: p.Lys18830Asn; replaces lysine 18830 with asparagine.
Molecular consequence: missense variant.
Genome position (GRCh38, 1-based): chr2:178,599,303, C>A on the plus strand (G>T on the coding strand, the complement: TTN is on the minus strand). VCF-style: chr2-178599303-C-A. GRCh37 (hg19) VCF-style: chr2-179464030-C-A.
Other names: c.51567G>T, p.Lys17189Asn (NM_001256850.1); c.29295G>T, p.Lys9765Asn (NM_003319.4); c.48786G>T, p.Lys16262Asn (NM_133378.4); c.29670G>T, p.Lys9890Asn (NM_133432.3); c.29871G>T, p.Lys9957Asn (NM_133437.4); short protein forms K16262N, K17189N, K18830N, K9765N, K9890N, K9957N.
Identifiers: ClinVar variation 3357367 (VCV003357367.1).